The following is an entry in ClinVar:

NM_145059.3(FCSK):c.158G>A (p.Arg53His)

Gene: FCSK (fucose kinase; plus strand). Cytogenetic location: 16q22.1.
Variant type: single nucleotide variant.
Coding change: c.158G>A on transcript NM_145059.3 (MANE Select); coding-DNA position 158, G replaced by A.
Protein change: p.Arg53His; replaces arginine 53 with histidine.
Molecular consequence: missense variant.
Genome position (GRCh38, 1-based): chr16:70,463,698, G>A. VCF-style: chr16-70463698-G-A. GRCh37 (hg19) VCF-style: chr16-70497601-G-A.
Other names: short protein forms R53H.
Identifiers: ClinVar variation 3094271 (VCV003094271.3), dbSNP rs369355398, ClinGen allele CA8142750.

ClinVar aggregate classification (germline): Uncertain significance. Review status: criteria provided, multiple submitters, no conflicts (2 of 4 stars). 2 submissions from 2 submitters: Uncertain significance (2). Last evaluated 2025-09-06.

Allele frequency attached by ClinVar (database versions not stated): ESP Exome Variant Server 0.00008; gnomAD 0.00014; TOPMed 0.00017.
gnomAD v4.1: 88 of 1,612,928 alleles (0.0055%); highest among the groups gnomAD compares: Admixed American, 0.03%; no homozygotes.

Submissions (2):

Labcorp Genetics (formerly Invitae), Labcorp
Classification: Uncertain significance. Last evaluated: 2025-09-06. Review status: criteria provided, single submitter. Criteria: Invitae Variant Classification Sherloc (09022015). Collection method: clinical testing. Allele origin: germline.
Comment: This sequence change replaces arginine, which is basic and polar, with histidine, which is basic and polar, at codon 53 of the FUK protein (p.Arg53His). This variant is present in population databases (rs369355398, gnomAD 0.02%). This variant has not been reported in the literature in individuals affected with FUK-related conditions. ClinVar contains an entry for this variant (Variation ID: 3094271). An algorithm developed to predict the effect of missense changes on protein structure and function outputs the following: PolyPhen-2: "Benign". The histidine amino acid residue is found in multiple mammalian species, which suggests that this missense change does not adversely affect protein function. In summary, the available evidence is currently insufficient to determine the role of this variant in disease. Therefore, it has been classified as a Variant of Uncertain Significance.

Ambry Genetics
Classification: Uncertain significance. Last evaluated: 2024-05-09. Review status: criteria provided, single submitter. Criteria: Ambry Variant Classification Scheme 2023. Collection method: clinical testing. Allele origin: germline.